The following is an entry in ClinVar:

NM_145290.4(ADGRA3):c.3496G>A (p.Val1166Met)

Gene: ADGRA3 (adhesion G protein-coupled receptor A3; minus strand). Cytogenetic location: 4p15.2.
Variant type: single nucleotide variant.
Coding change: c.3496G>A on transcript NM_145290.4 (MANE Select); coding-DNA position 3496, G replaced by A.
Protein change: p.Val1166Met; replaces valine 1166 with methionine.
Molecular consequence: missense variant.
Genome position (GRCh38, 1-based): chr4:22,388,175, C>T on the plus strand (G>A on the coding strand, the complement: ADGRA3 is on the minus strand). VCF-style: chr4-22388175-C-T. GRCh37 (hg19) VCF-style: chr4-22389798-C-T.
Other names: short protein forms V1166M.
Identifiers: ClinVar variation 955079 (VCV000955079.9), dbSNP rs1713927434, ClinGen allele CA356472312.

ClinVar aggregate classification (germline): Uncertain significance (1 of 4 stars; one submission).

Allele frequency attached by ClinVar (database versions not stated): gnomAD exomes below 0.00001.
gnomAD v4.1: 1 of 1,614,048 alleles (0.000062%); highest among the groups gnomAD compares: Non-Finnish European, 0.000085%; no homozygotes.

Submission:

Labcorp Genetics (formerly Invitae), Labcorp
Classification: Uncertain significance. Last evaluated: 2023-05-22. Review status: criteria provided, single submitter. Criteria: Invitae Variant Classification Sherloc (09022015). Collection method: clinical testing. Allele origin: germline.
Comment: In summary, the available evidence is currently insufficient to determine the role of this variant in disease. Therefore, it has been classified as a Variant of Uncertain Significance. Algorithms developed to predict the effect of missense changes on protein structure and function output the following: SIFT: "Not Available"; PolyPhen-2: "Benign"; Align-GVGD: "Not Available". The methionine amino acid residue is found in multiple mammalian species, which suggests that this missense change does not adversely affect protein function. ClinVar contains an entry for this variant (Variation ID: 955079). This variant has not been reported in the literature in individuals affected with ADGRA3-related conditions. This variant is not present in population databases (gnomAD no frequency). This sequence change replaces valine, which is neutral and non-polar, with methionine, which is neutral and non-polar, at codon 1166 of the ADGRA3 protein (p.Val1166Met).